The following is an entry in ClinVar:

NM_013275.6(ANKRD11):c.489G>C (p.Lys163Asn)

Gene: ANKRD11 (ankyrin repeat domain containing 11; minus strand). Cytogenetic location: 16q24.3.
Variant type: single nucleotide variant.
Coding change: c.489G>C on transcript NM_013275.6 (MANE Select); coding-DNA position 489, G replaced by C.
Protein change: p.Lys163Asn; replaces lysine 163 with asparagine.
Molecular consequence: missense variant. On other transcripts: non-coding transcript variant (1).
Genome position (GRCh38, 1-based): chr16:89,290,737, C>G on the plus strand (G>C on the coding strand, the complement: ANKRD11 is on the minus strand). VCF-style: chr16-89290737-C-G. GRCh37 (hg19) VCF-style: chr16-89357145-C-G.
Other names: c.489G>C, p.Lys163Asn (NM_001256182.2, NM_001256183.2); short protein forms K163N.
Identifiers: ClinVar variation 3344582 (VCV003344582.1).

ClinVar aggregate classification (germline): Uncertain significance (0 of 4 stars; one submission).

Conditions:
ANKRD11-related disorder. Also called: ANKRD11-related condition.

Submission:

PreventionGenetics, part of Exact Sciences
Classification: Uncertain significance for ANKRD11-related condition. Last evaluated: 2024-08-25. Review status: no assertion criteria provided. Collection method: clinical testing. Allele origin: germline.
Comment: The ANKRD11 c.489G>C variant is predicted to result in the amino acid substitution p.Lys163Asn. To our knowledge, this variant has not been reported in the literature or in a large population database, indicating this variant is rare. At this time, the clinical significance of this variant is uncertain due to the absence of conclusive functional and genetic evidence.